The following is an entry in ClinVar:

ClinVar aggregate classification (germline): Uncertain significance (1 of 4 stars; one submission).

Submissions (2):

Labcorp Genetics (formerly Invitae), Labcorp
Classification: Uncertain significance. Last evaluated: 2023-11-28. Review status: criteria provided, single submitter. Criteria: Invitae Variant Classification Sherloc (09022015). Collection method: clinical testing. Allele origin: germline.
Comment: This sequence change replaces valine, which is neutral and non-polar, with leucine, which is neutral and non-polar, at codon 43 of the GTF2E2 protein (p.Val43Leu). This variant is not present in population databases (gnomAD no frequency). This variant has not been reported in the literature in individuals affected with GTF2E2-related conditions. ClinVar contains an entry for this variant (Variation ID: 1440602). Advanced modeling of protein sequence and biophysical properties (such as structural, functional, and spatial information, amino acid conservation, physicochemical variation, residue mobility, and thermodynamic stability) performed at Invitae indicates that this missense variant is not expected to disrupt GTF2E2 protein function with a negative predictive value of 80%. In summary, the available evidence is currently insufficient to determine the role of this variant in disease. Therefore, it has been classified as a Variant of Uncertain Significance.

Dr. Peter K. Rogan Lab, Western University
No classification provided (evidence only). Condition: Thyroid cancer, nonmedullary, 1. Review status: no classification provided. Collection method: in vitro. Allele origin: not applicable. Functional consequence: retained intron. Not counted in ClinVar's aggregate classification.

NM_002095.6(GTF2E2):c.127G>T (p.Val43Leu)

Gene: GTF2E2 (general transcription factor IIE subunit 2; minus strand). Cytogenetic location: 8p12.
Variant type: single nucleotide variant.
Coding change: c.127G>T on transcript NM_002095.6 (MANE Select); coding-DNA position 127, G replaced by T.
Protein change: p.Val43Leu; replaces valine 43 with leucine.
Molecular consequence: missense variant.
Genome position (GRCh38, 1-based): chr8:30,653,472, C>A on the plus strand (G>T on the coding strand, the complement: GTF2E2 is on the minus strand). VCF-style: chr8-30653472-C-A. GRCh37 (hg19) VCF-style: chr8-30510989-C-A.
Other names: c.127G>T, p.Val43Leu (NM_001348353.1); short protein forms V43L.
Identifiers: ClinVar variation 1440602 (VCV001440602.7), dbSNP rs1802352945, ClinGen allele CA370877191.